The following is an entry in ClinVar:

NM_001009944.3(PKD1):c.4824T>C (p.Asn1608=)

Gene: PKD1 (polycystin 1, transient receptor potential channel interacting; minus strand). Cytogenetic location: 16p13.3.
Variant type: single nucleotide variant.
Coding change: c.4824T>C on transcript NM_001009944.3 (MANE Select); coding-DNA position 4824, T replaced by C.
Protein change: p.Asn1608=; no amino-acid change (asparagine 1608 retained).
Molecular consequence: synonymous variant.
Genome position (GRCh38, 1-based): chr16:2,110,343, A>G on the plus strand (T>C on the coding strand, the complement: PKD1 is on the minus strand). VCF-style: chr16-2110343-A-G. GRCh37 (hg19) VCF-style: chr16-2160344-A-G.
Other names: c.4824T>C (NM_001009944.2); c.4824T>C, p.Asn1608= (NM_000296.4).
Identifiers: ClinVar variation 997376 (VCV000997376.3), dbSNP rs569136450, ClinGen allele CA7832234.

ClinVar aggregate classification (germline): Likely benign. Review status: criteria provided, multiple submitters, no conflicts (2 of 4 stars). 3 submissions from 3 submitters: Likely benign (2). 1 of the submissions does not count toward it. Last evaluated 2026-04-16.

Conditions:
Polycystic kidney disease. Also called: Kidney, Polycystic; Polycystic kidney dysplasia. Identifiers: MedGen C0022680, MeSH D007690, MONDO:0020642, HP:0000113.
PKD1-related disorder. Also called: PKD1-related condition.

Allele frequency attached by ClinVar (database versions not stated): gnomAD below 0.00001 and 0.00010; TOPMed below 0.00001; gnomAD exomes 0.00011 and 0.00021; ExAC 0.00026; 1000 Genomes Project 30x 0.00047; 1000 Genomes Project 0.00060.
gnomAD v4.1: 175 of 1,612,648 alleles (0.011%); highest among the groups gnomAD compares: South Asian, 0.18%; 2 homozygotes.

Submissions (3):

PreventionGenetics, part of Exact Sciences
Classification: Likely benign for PKD1-related condition. Last evaluated: 2026-04-16. Review status: criteria provided, single submitter. Criteria: ACMG Guidelines, 2015. Collection method: clinical testing. Allele origin: germline.
Comment: This variant is classified as likely benign based on ACMG/AMP sequence variant interpretation guidelines (Richards et al. 2015 PMID: 25741868, with internal and published modifications).

Breakthrough Genomics
Classification: Likely benign. Review status: criteria provided, single submitter. Criteria: ACMG Guidelines, 2015. Collection method: not provided. Allele origin: germline. Inheritance: Autosomal dominant inheritance. Affected: yes.

Department of Pathology and Laboratory Medicine, Sinai Health System
Classification: Likely benign for Polycystic Kidney disease. Review status: no assertion criteria provided. Collection method: clinical testing. Allele origin: unknown. Affected: yes. Study: The Canadian Open Genetics Repository (COGR). Not counted in ClinVar's aggregate classification.
Comment: The PKD1 p.Asn1608= variant was not identified in the literature nor was it identified in the ClinVar, LOVD 3.0, ADPKD Mutation Database and PKD1-LOVD databases. The variant was identified in dbSNP (rs569136450) as â€šÃ„ÃºNAâ€šÃ„Ã¹. The variant was identified in control databases in 52 of 249,562 chromosomes at a frequency of 0.0002 (Genome Aggregation Database Feb 27, 2017). The variant was observed in the South Asian population in 52 of 30,610 chromosomes (freq: 0.002, increasing the likelihood this could be a low frequency benign variant); it was not observed in the African, Latino, Ashkenazi Jewish, East Asian, Finnish, European or Other populations. In addition, we cannot be certain that data from control databases is specific to PKD1 and not from one of the six PKD1 pseudogenes. The p.Asn1608=variant is not expected to have clinical significance because it does not result in a change of amino acid and is not located in a known consensus splice site. The variant occurs at a non-highly conserved nucleotide outside of the splicing consensus sequence and in silico or computational prediction software programs (SpliceSiteFinder, MaxEntScan, NNSPLICE, GeneSplicer) do not predict a difference in splicing. In summary, based on the above information, the clinical significance of this variant cannot be determined with certainty at this time although we would lean towards a more benign role for this variant. This variant is classified as likely benign.